The following is an entry in ClinVar:

NM_003680.4(YARS1):c.1261G>A (p.Val421Met)

Gene: YARS1 (tyrosyl-tRNA synthetase 1; minus strand). Cytogenetic location: 1p35.1.
Variant type: single nucleotide variant.
Coding change: c.1261G>A on transcript NM_003680.4 (MANE Select); coding-DNA position 1261, G replaced by A.
Protein change: p.Val421Met; replaces valine 421 with methionine.
Molecular consequence: missense variant.
Genome position (GRCh38, 1-based): chr1:32,780,158, C>T on the plus strand (G>A on the coding strand, the complement: YARS1 is on the minus strand). VCF-style: chr1-32780158-C-T. GRCh37 (hg19) VCF-style: chr1-33245759-C-T.
Other names: short protein forms V421M.
Identifiers: ClinVar variation 2959125 (VCV002959125.3), dbSNP rs2523351340, ClinGen allele CA339681468.

ClinVar aggregate classification (germline): Uncertain significance (1 of 4 stars; one submission).

Conditions:
Charcot-Marie-Tooth disease dominant intermediate C (CMTDIC). Also called: CHARCOT-MARIE-TOOTH NEUROPATHY, DOMINANT INTERMEDIATE C. Identifiers: Orphanet 100045, MedGen C1842237, MONDO:0012012, OMIM 608323.

Submission:

Labcorp Genetics (formerly Invitae), Labcorp
Classification: Uncertain significance for Charcot-Marie-Tooth disease dominant intermediate C. Last evaluated: 2022-11-19. Review status: criteria provided, single submitter. Criteria: Invitae Variant Classification Sherloc (09022015). Collection method: clinical testing. Allele origin: germline.
Comment: In summary, the available evidence is currently insufficient to determine the role of this variant in disease. Therefore, it has been classified as a Variant of Uncertain Significance. Advanced modeling of protein sequence and biophysical properties (such as structural, functional, and spatial information, amino acid conservation, physicochemical variation, residue mobility, and thermodynamic stability) performed at Invitae indicates that this missense variant is not expected to disrupt YARS protein function. This variant has not been reported in the literature in individuals affected with YARS-related conditions. This variant is not present in population databases (gnomAD no frequency). This sequence change replaces valine, which is neutral and non-polar, with methionine, which is neutral and non-polar, at codon 421 of the YARS protein (p.Val421Met).